The following is an entry in ClinVar:

NM_003919.3(SGCE):c.506T>C (p.Met169Thr)

Genes: CASD1 (CAS1 domain sialic acid O acetyltransferase 1; plus strand), SGCE (sarcoglycan epsilon; minus strand). Cytogenetic location: 7q21.3.
Variant type: single nucleotide variant.
Coding change: c.506T>C on transcript NM_003919.3 (MANE Select); coding-DNA position 506, T replaced by C.
Protein change: p.Met169Thr; replaces methionine 169 with threonine.
Molecular consequence: missense variant.
Genome position (GRCh38, 1-based): chr7:94,618,914, A>G on the plus strand (T>C on the coding strand, the complement: SGCE is on the minus strand). VCF-style: chr7-94618914-A-G. GRCh37 (hg19) VCF-style: chr7-94248226-A-G.
Other names: c.506T>C, p.Met169Thr (NM_001099400.2, NM_001099401.2, NM_001346717.2); c.383T>C, p.Met128Thr (NM_001301139.2, NM_001362809.2); c.614T>C, p.Met205Thr (NM_001346713.2, NM_001346715.2); c.419T>C, p.Met140Thr (NM_001346719.2, NM_001362807.2); c.233T>C, p.Met78Thr (NM_001346720.2, NM_001362808.2); short protein forms M169T, M205T, M78T, M128T, M140T.
Identifiers: ClinVar variation 576583 (VCV000576583.9), dbSNP rs1293308593, ClinGen allele CA368235868.

ClinVar aggregate classification (germline): Uncertain significance (1 of 4 stars; one submission).

Conditions:
Myoclonic dystonia 11 (DYT11). Also called: Myoclonic dystonia; Dystonia 11; Dystonia, alcohol responsive; Hereditary essential myoclonus; SGCE Myoclonus-Dystonia; Myoclonus-Dystonia. Identifiers: Orphanet 36899, MedGen C1834570, MONDO:0008044, OMIM 159900.

Allele frequency attached by ClinVar (database versions not stated): gnomAD exomes below 0.00001 and 0.00001.
gnomAD v4.1: 5 of 1,614,048 alleles (0.00031%); highest among the groups gnomAD compares: South Asian, 0.0011%; no homozygotes.

Submission:

Labcorp Genetics (formerly Invitae), Labcorp
Classification: Uncertain significance for Myoclonic dystonia 11. Last evaluated: 2018-07-01. Review status: criteria provided, single submitter. Criteria: Invitae Variant Classification Sherloc (09022015). Collection method: clinical testing. Allele origin: germline.
Comment: In summary, the available evidence is currently insufficient to determine the role of this variant in disease. Therefore, it has been classified as a Variant of Uncertain Significance. Algorithms developed to predict the effect of missense changes on protein structure and function are either unavailable or do not agree on the potential impact of this missense change (SIFT: "Deleterious"; PolyPhen-2: "Possibly Damaging"; Align-GVGD: "Class C0"). This variant has not been reported in the literature in individuals with SGCE-related disease. This variant is not present in population databases (ExAC no frequency). This sequence change replaces methionine with threonine at codon 169 of the SGCE protein (p.Met169Thr). The methionine residue is highly conserved and there is a moderate physicochemical difference between methionine and threonine.